The following is an entry in ClinVar:

NM_000551.4(VHL):c.299C>T (p.Thr100Met)

Gene: VHL (von Hippel-Lindau tumor suppressor; plus strand). Cytogenetic location: 3p25.3.
Variant type: single nucleotide variant.
Coding change: c.299C>T on transcript NM_000551.4 (MANE Select); coding-DNA position 299, C replaced by T.
Protein change: p.Thr100Met; replaces threonine 100 with methionine.
Molecular consequence: missense variant.
Genome position (GRCh38, 1-based): chr3:10,142,146, C>T. VCF-style: chr3-10142146-C-T. GRCh37 (hg19) VCF-style: chr3-10183830-C-T.
Other names: c.299C>T, p.Thr100Met (NM_001354723.2, NM_198156.3); short protein forms T100M.
Identifiers: ClinVar variation 644033 (VCV000644033.12), dbSNP rs1346874866, ClinGen allele CA351750989.

ClinVar aggregate classification (germline): Conflicting classifications of pathogenicity. Review status: criteria provided, conflicting classifications (1 of 4 stars). 3 submissions from 3 submitters: Uncertain significance (2); Likely benign (1). Last evaluated 2026-05-15.

Conditions:
Chuvash polycythemia. Also called: POLYCYTHEMIA, VHL-DEPENDENT. Identifiers: Orphanet 238557, MedGen C1837915, MONDO:0009892, OMIM 263400.
Von Hippel-Lindau syndrome (VHLS). Also called: Von Hippel-Lindau; VHL syndrome; von Hippel–Lindau syndrome. Identifiers: Orphanet 892, MedGen C0019562, MONDO:0008667, OMIM 193300. Disease mechanism: loss of function.
Hereditary cancer-predisposing syndrome. Also called: Tumor predisposition; Hereditary Cancer Syndrome; Neoplastic Syndromes, Hereditary; Hereditary neoplastic syndrome. Identifiers: Orphanet 140162, MedGen C0027672, MeSH D009386, MONDO:0015356.

Submissions (3):

Ambry Genetics
Classification: Likely benign for Hereditary cancer-predisposing syndrome. Last evaluated: 2026-05-15. Review status: criteria provided, single submitter. Criteria: Ambry Variant Classification Scheme 2023. Collection method: clinical testing. Allele origin: germline.

Labcorp Genetics (formerly Invitae), Labcorp
Classification: Uncertain significance for Von Hippel-Lindau syndrome; Chuvash polycythemia. Last evaluated: 2022-11-08. Review status: criteria provided, single submitter. Criteria: Invitae Variant Classification Sherloc (09022015). Collection method: clinical testing. Allele origin: germline.
Comment: This variant is not present in population databases (gnomAD no frequency). In summary, the available evidence is currently insufficient to determine the role of this variant in disease. Therefore, it has been classified as a Variant of Uncertain Significance. Advanced modeling of protein sequence and biophysical properties (such as structural, functional, and spatial information, amino acid conservation, physicochemical variation, residue mobility, and thermodynamic stability) performed at Invitae indicates that this missense variant is expected to disrupt VHL protein function. ClinVar contains an entry for this variant (Variation ID: 644033). This variant has not been reported in the literature in individuals affected with VHL-related conditions. This sequence change replaces threonine, which is neutral and polar, with methionine, which is neutral and non-polar, at codon 100 of the VHL protein (p.Thr100Met).

Sema4
Classification: Uncertain significance for Hereditary cancer-predisposing syndrome. Last evaluated: 2022-01-12. Review status: criteria provided, single submitter. Criteria: Sema4 Curation Guidelines. Collection method: curation. Allele origin: germline.
Comment: To the best of our knowledge, the VHL c.299C>T (p.T100M) variant has not been reported in individuals with VHL-related disease. It was not observed in the large and broad cohorts of the Genome Aggregation Database (PMID: 32461654). The variant has been reported in ClinVar (Variation ID 644033). Functional studies have not been performed, and in silico predictions of the variant's effect on protein function are inconclusive. The evidence is insufficient to meet ACMG/AMP criteria for classifying the variant as benign or pathogenic. Thus, the clinical significance of this variant is currently uncertain.

Literature cited by the submitters: PubMed 38969834 (cited by Ambry Genetics).